The following is an entry in ClinVar:

ClinVar aggregate classification (germline): Likely benign. Review status: criteria provided, multiple submitters, no conflicts (2 of 4 stars). 3 submissions from 3 submitters: Likely benign (2). 1 of the submissions does not count toward it. Last evaluated 2025-07-31.

Conditions:
ITSN2-related disorder. Also called: ITSN2-related condition.

Allele frequency attached by ClinVar (database versions not stated): ExAC 0.00033; gnomAD 0.00035; TOPMed 0.00035; ESP Exome Variant Server 0.00054.
gnomAD v4.1: 967 of 1,614,068 alleles (0.06%); highest among the groups gnomAD compares: Non-Finnish European, 0.075%; 2 homozygotes.

Submissions (3):

Labcorp Genetics (formerly Invitae), Labcorp
Classification: Likely benign. Last evaluated: 2025-07-31. Review status: criteria provided, single submitter. Criteria: Invitae Variant Classification Sherloc (09022015). Collection method: clinical testing. Allele origin: germline.

CeGaT Center for Human Genetics Tuebingen
Classification: Likely benign. Last evaluated: 2024-01-01. Review status: criteria provided, single submitter. Criteria: CeGaT Center For Human Genetics Tuebingen Variant Classification Criteria Version 2. Collection method: clinical testing. Allele origin: germline. Affected: yes. Observed: 1 variant allele.
Comment: ITSN2: BP4, BP7

PreventionGenetics, part of Exact Sciences
Classification: Likely benign for ITSN2-related condition. Last evaluated: 2022-07-08. Review status: no assertion criteria provided. Collection method: clinical testing. Allele origin: germline. Not counted in ClinVar's aggregate classification.
Comment: This variant is classified as likely benign based on ACMG/AMP sequence variant interpretation guidelines (Richards et al. 2015 PMID: 25741868, with internal and published modifications).

NM_006277.3(ITSN2):c.402T>C (p.Ala134=)

Gene: ITSN2 (intersectin 2; minus strand). Cytogenetic location: 2p23.3.
Variant type: single nucleotide variant.
Coding change: c.402T>C on transcript NM_006277.3 (MANE Select); coding-DNA position 402, T replaced by C.
Protein change: p.Ala134=; no amino-acid change (alanine 134 retained).
Molecular consequence: synonymous variant.
Genome position (GRCh38, 1-based): chr2:24,310,643, A>G on the plus strand (T>C on the coding strand, the complement: ITSN2 is on the minus strand). VCF-style: chr2-24310643-A-G. GRCh37 (hg19) VCF-style: chr2-24533512-A-G.
Other names: c.360T>C, p.Ala120= (NM_001348181.2, NM_001348184.2); c.402T>C, p.Ala134= (NM_001348182.2, NM_001348183.2, NM_001348185.2 and 3 more transcripts); c.402T>C (NM_006277.2).
Identifiers: ClinVar variation 2055499 (VCV002055499.27), dbSNP rs143879838, ClinGen allele CA1551778.
Genomic context (GRCh38, chr2:24,310,643, plus strand): 5'-CATCATTAAGGGAGGAAGGTTGGTCCCTGAAGTCGCAGAAGACAATGATGTTATAGGTGC[A>G]GCTGGAGGCAATGGCTGAGGAATGGACAGATTGGGCATGCTTCCCATTCCTAAAGTCAAA-3'
Protein context (NP_006268.2, residues 124-144): NLSIPQPLPP[Ala134=]APITSLSSAT